The following is an entry in ClinVar:

ClinVar aggregate classification (germline): Uncertain significance (1 of 4 stars; one submission).

Conditions:
Inborn genetic diseases. Identifiers: MedGen C0950123, MeSH D030342.

Submission:

Ambry Genetics
Classification: Uncertain significance for Inborn genetic diseases. Last evaluated: 2025-11-05. Review status: criteria provided, single submitter. Criteria: Ambry Variant Classification Scheme 2023. Collection method: clinical testing. Allele origin: germline.
Comment: The p.Q248E variant (also known as c.742C>G), located in coding exon 8 of the FANCA gene, results from a C to G substitution at nucleotide position 742. The glutamine at codon 248 is replaced by glutamic acid, an amino acid with highly similar properties. This amino acid position is conserved. In addition, this alteration is predicted to be tolerated by in silico analysis. Based on the available evidence, the clinical significance of this variant remains unclear.

NM_000135.4(FANCA):c.742C>G (p.Gln248Glu)

Gene: FANCA (FA complementation group A; minus strand). Cytogenetic location: 16q24.3.
Variant type: single nucleotide variant.
Coding change: c.742C>G on transcript NM_000135.4 (MANE Select); coding-DNA position 742, C replaced by G.
Protein change: p.Gln248Glu; replaces glutamine 248 with glutamic acid.
Molecular consequence: missense variant.
Genome position (GRCh38, 1-based): chr16:89,803,309, G>C on the plus strand (C>G on the coding strand, the complement: FANCA is on the minus strand). VCF-style: chr16-89803309-G-C. GRCh37 (hg19) VCF-style: chr16-89869717-G-C.
Other names: c.742C>G, p.Gln248Glu (NM_001018112.3, NM_001286167.3); c.646C>G, p.Gln216Glu (NM_001351830.2); short protein forms Q248E, Q216E.
Identifiers: ClinVar variation 4619250 (VCV004619250.1).
Genomic context (GRCh38, chr16:89,803,309, plus strand): 5'-TTCCTCCTACCTGCGGCATTTTTTCAGGCTCCACAGTTCTTCTCAGATCTGAGTTTTTCT[G>C]AAATCCCCTCAAAACAAACATTTGAACAAAATCTGAAAAACCATAAAACCAAAGTTATTT-3'
Protein context (NP_000126.2, residues 238-258): FVQMFVLRGF[Gln248Glu]KNSDLRRTVE